The following is an entry in ClinVar:

NM_178497.5(ODAPH):c.67+445T>G

Gene: ODAPH (odontogenesis associated phosphoprotein; plus strand). Cytogenetic location: 4q21.1.
Variant type: single nucleotide variant.
Coding change: c.67+445T>G on transcript NM_178497.5 (MANE Select); 445 bases into the intron after coding-DNA position 67, T replaced by G.
Molecular consequence: intron variant.
Genome position (GRCh38, 1-based): chr4:75,556,594, T>G. VCF-style: chr4-75556594-T-G. GRCh37 (hg19) VCF-style: chr4-76481804-T-G.
Other names: c.67+445T>G (NM_001257072.2); c.111+10T>G (NM_001206981.2).
Identifiers: ClinVar variation 3041840 (VCV003041840.2), dbSNP rs2476333978, ClinGen allele CA2578115421.

ClinVar aggregate classification (germline): Likely benign (0 of 4 stars; one submission).

Conditions:
ODAPH-related disorder. Also called: ODAPH-related condition.

Submission:

PreventionGenetics, part of Exact Sciences
Classification: Likely benign for ODAPH-related condition. Last evaluated: 2020-03-30. Review status: no assertion criteria provided. Collection method: clinical testing. Allele origin: germline.
Comment: This variant is classified as likely benign based on ACMG/AMP sequence variant interpretation guidelines (Richards et al. 2015 PMID: 25741868, with internal and published modifications).